The following is an entry in ClinVar:

NM_000428.3(LTBP2):c.3589G>A (p.Gly1197Arg)

Gene: LTBP2 (latent transforming growth factor beta binding protein 2; minus strand). Cytogenetic location: 14q24.3.
Variant type: single nucleotide variant.
Coding change: c.3589G>A on transcript NM_000428.3 (MANE Select); coding-DNA position 3589, G replaced by A.
Protein change: p.Gly1197Arg; replaces glycine 1197 with arginine.
Molecular consequence: missense variant.
Genome position (GRCh38, 1-based): chr14:74,508,667, C>T on the plus strand (G>A on the coding strand, the complement: LTBP2 is on the minus strand). VCF-style: chr14-74508667-C-T. GRCh37 (hg19) VCF-style: chr14-74975370-C-T.
Other names: short protein forms G1197R.
Identifiers: ClinVar variation 885612 (VCV000885612.5), dbSNP rs760459796, ClinGen allele CA7269112.

ClinVar aggregate classification (germline): Uncertain significance. Review status: criteria provided, multiple submitters, no conflicts (2 of 4 stars). 3 submissions from 2 submitters: Uncertain significance (3). Last evaluated 2022-08-23.

Conditions:
Weill-Marchesani syndrome. Also called: WM Syndrome; Mesodermal dysmorphodystrophy congenital. Identifiers: Orphanet 3449, MedGen C0265313, MONDO:0018096.
Glaucoma 3, primary congenital, D. Identifiers: Orphanet 98976, MedGen C2751316, MONDO:0013122, OMIM 613086.

Allele frequency attached by ClinVar (database versions not stated): ExAC 0.00001; gnomAD 0.00001; TOPMed 0.00001; gnomAD exomes 0.00002.

Submissions (3):

Labcorp Genetics (formerly Invitae), Labcorp
Classification: Uncertain significance. Last evaluated: 2022-08-23. Review status: criteria provided, single submitter. Criteria: Invitae Variant Classification Sherloc (09022015). Collection method: clinical testing. Allele origin: germline.
Comment: This sequence change replaces glycine, which is neutral and non-polar, with arginine, which is basic and polar, at codon 1197 of the LTBP2 protein (p.Gly1197Arg). This variant is present in population databases (rs760459796, gnomAD 0.02%). This variant has not been reported in the literature in individuals affected with LTBP2-related conditions. ClinVar contains an entry for this variant (Variation ID: 885612). Algorithms developed to predict the effect of missense changes on protein structure and function (SIFT, PolyPhen-2, Align-GVGD) all suggest that this variant is likely to be disruptive. Algorithms developed to predict the effect of sequence changes on RNA splicing suggest that this variant may create or strengthen a splice site. In summary, the available evidence is currently insufficient to determine the role of this variant in disease. Therefore, it has been classified as a Variant of Uncertain Significance.

Illumina Laboratory Services, Illumina
Classification: Uncertain significance for Glaucoma 3, primary congenital, D. Last evaluated: 2018-01-13. Review status: criteria provided, single submitter. Criteria: ICSL Variant Classification Criteria 13 December 2019. Collection method: clinical testing. Allele origin: germline.

Illumina Laboratory Services, Illumina
Classification: Uncertain significance for Weill-Marchesani syndrome. Last evaluated: 2018-01-13. Review status: criteria provided, single submitter. Criteria: ICSL Variant Classification Criteria 13 December 2019. Collection method: clinical testing. Allele origin: germline.